The following is an entry in ClinVar:

ClinVar aggregate classification (germline): Likely pathogenic (1 of 4 stars; one submission).

Conditions:
Glycogen storage disease, type VII (GSD7). Also called: PFKM DEFICIENCY; TARUI DISEASE; GSD VII; MUSCLE PHOSPHOFRUCTOKINASE DEFICIENCY. Identifiers: Orphanet 371, MedGen C0017926, MONDO:0009295, OMIM 232800.

Submission:

Myriad Genetics, Inc.
Classification: Likely pathogenic for Glycogen storage disease, type VII. Last evaluated: 2022-04-20. Review status: criteria provided, single submitter. Criteria: Myriad Women's Health Autosomal Recessive and X-Linked Classification Criteria (2021). Collection method: clinical testing. Allele origin: unknown.
Comment: NM_001166686.1(PFKM):c.1358G>A(W453*) is expected to be pathogenic in the context of glycogen storage disease type VII. This variant is predicted to lead to an abnormal or absent protein product due to the creation of a premature termination codon in PFKM, a gene where loss-of-function variants are known to be pathogenic. Please note: this variant was assessed in the context of healthy population screening.

NM_000289.6(PFKM):c.1145G>A (p.Trp382Ter)

Gene: PFKM (phosphofructokinase, muscle; plus strand). Cytogenetic location: 12q13.11.
Variant type: single nucleotide variant.
Coding change: c.1145G>A on transcript NM_000289.6 (MANE Select); coding-DNA position 1145, G replaced by A.
Protein change: p.Trp382Ter; replaces tryptophan 382 with a stop codon.
Molecular consequence: nonsense. On other transcripts: non-coding transcript variant (6).
Genome position (GRCh38, 1-based): chr12:48,139,866, G>A. VCF-style: chr12-48139866-G-A. GRCh37 (hg19) VCF-style: chr12-48533649-G-A.
Other names: c.1358G>A, p.Trp453Ter (NM_001166686.2, NM_001354737.1, NM_001354738.1 and 1 more transcripts); c.1145G>A, p.Trp382Ter (NM_001166687.2, NM_001166688.2, NM_001354742.2 and 2 more transcripts); c.1454G>A, p.Trp485Ter (NM_001354735.1, NM_001354736.1); c.1289G>A, p.Trp430Ter (NM_001354740.1); c.1169G>A, p.Trp390Ter (NM_001354741.2); c.1058G>A, p.Trp353Ter (NM_001354745.2); c.1019G>A, p.Trp340Ter (NM_001354746.2); c.995G>A, p.Trp332Ter (NM_001354747.2, NM_001354748.2); and 1 more; short protein forms W332*, W340*, W351*, W353*, W382*, W390*, W430*, W453*.
Identifiers: ClinVar variation 1725937 (VCV001725937.2), dbSNP rs760569139, ClinGen allele CA384548866.
Genomic context (GRCh38, chr12:48,139,866, plus strand): 5'-GGAATGGCCTGAAGACACCTCTCTCTATTTGTACTTCCTACAGGAGCTTCATGAACAACT[G>A]GGAGGTGTACAAGCTTCTAGCTCATGTCAGACCCCCGGTATCTAAGGTACTGGCAAGTTG-3'